The following is an entry in ClinVar:

ClinVar aggregate classification (germline): Uncertain significance. Review status: criteria provided, multiple submitters, no conflicts (2 of 4 stars). 2 submissions from 2 submitters: Uncertain significance (2). Last evaluated 2025-06-11.

Conditions:
Hereditary nonpolyposis colorectal neoplasms. Identifiers: MedGen C0009405, MeSH D003123.
Hereditary cancer-predisposing syndrome. Also called: Hereditary Cancer Syndrome; Tumor predisposition; Hereditary neoplastic syndrome; Neoplastic Syndromes, Hereditary. Identifiers: Orphanet 140162, MedGen C0027672, MeSH D009386, MONDO:0015356.

Submissions (2):

Color Diagnostics, LLC DBA Color Health
Classification: Uncertain significance for Hereditary cancer-predisposing syndrome. Last evaluated: 2025-06-11. Review status: criteria provided, single submitter. Criteria: ACMG Guidelines, 2015. Collection method: clinical testing. Allele origin: germline.
Comment: This missense variant replaces cysteine with serine at codon 1117 of the MSH6 protein. Computational prediction suggests that this variant may not impact protein structure and function. To our knowledge, functional studies have not been reported for this variant. This variant has not been reported in individuals affected with MSH6-related disorders in the literature. This variant has not been identified in the general population by the Genome Aggregation Database (gnomAD). The available evidence is insufficient to determine the role of this variant in disease conclusively. Therefore, this variant is classified as a Variant of Uncertain Significance.

Labcorp Genetics (formerly Invitae), Labcorp
Classification: Uncertain significance for Hereditary nonpolyposis colorectal neoplasms. Last evaluated: 2022-06-21. Review status: criteria provided, single submitter. Criteria: Invitae Variant Classification Sherloc (09022015). Collection method: clinical testing. Allele origin: germline.
Comment: This variant has not been reported in the literature in individuals affected with MSH6-related conditions. In summary, the available evidence is currently insufficient to determine the role of this variant in disease. Therefore, it has been classified as a Variant of Uncertain Significance. Advanced modeling of protein sequence and biophysical properties (such as structural, functional, and spatial information, amino acid conservation, physicochemical variation, residue mobility, and thermodynamic stability) performed at Invitae indicates that this missense variant is not expected to disrupt MSH6 protein function. This variant is not present in population databases (gnomAD no frequency). This sequence change replaces cysteine, which is neutral and slightly polar, with serine, which is neutral and polar, at codon 1117 of the MSH6 protein (p.Cys1117Ser).

NM_000179.3(MSH6):c.3349T>A (p.Cys1117Ser)

Gene: MSH6 (mutS homolog 6; plus strand). Cytogenetic location: 2p16.3.
Variant type: single nucleotide variant.
Coding change: c.3349T>A on transcript NM_000179.3 (MANE Select); coding-DNA position 3349, T replaced by A.
Protein change: p.Cys1117Ser; replaces cysteine 1117 with serine.
Molecular consequence: missense variant.
Genome position (GRCh38, 1-based): chr2:47,803,596, T>A. VCF-style: chr2-47803596-T-A. GRCh37 (hg19) VCF-style: chr2-48030735-T-A.
Other names: c.3052T>A, p.Cys1018Ser (NM_001406828.1, NM_001406830.1, NM_001406797.1 and 10 more transcripts); c.2443T>A, p.Cys815Ser (NM_001406829.1, NM_001281493.2, NM_001281494.2 and 6 more transcripts); c.130T>A, p.Cys44Ser (NM_001406831.1); c.196T>A, p.Cys66Ser (NM_001406832.1); c.1294T>A, p.Cys432Ser (NM_001407362.1); c.2959T>A, p.Cys987Ser (NM_001281492.2); c.3445T>A, p.Cys1149Ser (NM_001406795.1, NM_001406802.1); c.3349T>A, p.Cys1117Ser (NM_001406796.1, NM_001406800.1, NM_001406808.1 and 1 more transcripts); and 7 more; short protein forms C1091S, C44S, C829S, C1059S, C1117S, C1149S, C987S, C815S.
Identifiers: ClinVar variation 2186207 (VCV002186207.4), dbSNP rs786202829, ClinGen allele CA346758753.